The following is an entry in ClinVar:

NM_001267550.2(TTN):c.76195del (p.Ala25399fs)

Genes: TTN (titin; minus strand), TTN-AS1 (TTN antisense RNA 1; plus strand). Cytogenetic location: 2q31.2.
Variant type: Deletion.
Coding change: c.76195del on transcript NM_001267550.2 (MANE Select); coding-DNA position 76195, one base deleted (G; older notation c.76195delG).
Protein change: p.Ala25399fs; shifts the reading frame from alanine 25399.
Molecular consequence: frameshift variant.
Genome position (GRCh38, 1-based): chr2:178,569,937, C deleted on the plus strand (G on the coding strand, the reverse complement: TTN is on the minus strand); the first of 2 consecutive C bases (chr2:178,569,937-178,569,938); deleting either gives the same sequence. VCF-style (leftmost placement, unchanged base first): chr2-178569936-GC-G. GRCh37 (hg19) VCF-style: chr2-179434663-GC-G.
Other names: c.71272del, p.Ala23758fs (NM_001256850.1); c.49000del, p.Ala16334fs (NM_003319.4); c.68491del, p.Ala22831fs (NM_133378.4); c.49375del, p.Ala16459fs (NM_133432.3); c.49576del, p.Ala16526fs (NM_133437.4); short protein forms A16334fs, A16459fs, A16526fs, A22831fs, A23758fs, A25399fs.
Identifiers: ClinVar variation 3075871 (VCV003075871.1), dbSNP rs2468427645, ClinGen allele CA2825001009.

ClinVar aggregate classification (germline): Likely pathogenic (1 of 4 stars; one submission).

Conditions:
Primary dilated cardiomyopathy (DCM). Also called: Dilated Cardiomyopathy. Identifiers: Orphanet 217604, MedGen C0007193, MeSH D002311, MONDO:0005021, HP:0001644. Inheritance: Various modes of inheritance.

Submission:

Laboratory for Molecular Medicine, Mass General Brigham Personalized Medicine
Classification: Likely pathogenic for Primary dilated cardiomyopathy. Last evaluated: 2022-06-30. Review status: criteria provided, single submitter. Criteria: ACMG Guidelines, 2015. Collection method: clinical testing. Allele origin: germline.
Comment: The p.Ala22831LeufsX17variant in TTN has not been previously reported in individuals with dilated cardiomyopathy and was absent from large population studies. This variant is predicted to cause a frameshift, which alters the protein’s amino acid sequence beginning at position 22831 and leads to a premature termination codon 17 amino acids downstream. Loss of function of the TTN gene is an established disease mechanism in autosomal dominant dilated cardiomyopathy. In summary, although additional studies are required to fully establish its clinical significance, this variant meets criteria to be classified as likely pathogenic for autosomal dominant dilated cardiomyopathy. ACMG/AMP Criteria applied: PVS1, PM2_Supporting.